The following is an entry in ClinVar:

ClinVar aggregate classification (germline): Uncertain significance (1 of 4 stars; one submission).

Conditions:
Neurodevelopmental disorder with behavioral abnormalities, absent speech, and hypotonia. Identifiers: MedGen C5231471, MONDO:0032878, OMIM 618718.

Allele frequency attached by ClinVar (database versions not stated): gnomAD exomes below 0.00001.
gnomAD v4.1: 1 of 1,611,388 alleles (0.000062%); highest among the groups gnomAD compares: East Asian, 0.0022%; no homozygotes.

Submission:

3billion
Classification: Uncertain significance for Neurodevelopmental disorder with behavioral abnormalities, absent speech, and hypotonia. Last evaluated: 2022-09-01. Review status: criteria provided, single submitter. Criteria: ACMG Guidelines, 2015. Collection method: clinical testing. Allele origin: germline. Affected: yes. Observed: 1 homozygote.
Comment: The variant is not observed in the gnomAD v2.1.1 dataset. Missense changes are a common disease-causing mechanism. In silico tool predictions suggest damaging effect of the variant on gene or gene product (REVEL: 0.97; 3Cnet: 0.57). Therefore, this variant is classified as uncertain significance according to the recommendation of ACMG/AMP guideline.

NM_032536.4(NTNG2):c.1058G>A (p.Cys353Tyr)

Gene: NTNG2 (netrin G2; plus strand). Cytogenetic location: 9q34.13.
Variant type: single nucleotide variant.
Coding change: c.1058G>A on transcript NM_032536.4 (MANE Select); coding-DNA position 1058, G replaced by A.
Protein change: p.Cys353Tyr; replaces cysteine 353 with tyrosine.
Molecular consequence: missense variant.
Genome position (GRCh38, 1-based): chr9:132,239,107, G>A. VCF-style: chr9-132239107-G-A. GRCh37 (hg19) VCF-style: chr9-135114494-G-A.
Other names: short protein forms C353Y.
Identifiers: ClinVar variation 1705608 (VCV001705608.1), dbSNP rs2538761369, ClinGen allele CA375337330.